The following is an entry in ClinVar:

NM_182914.3(SYNE2):c.1837-92_1837-89del

Gene: SYNE2 (spectrin repeat containing nuclear envelope protein 2; plus strand). Cytogenetic location: 14q23.2.
Variant type: Deletion.
Coding change: c.1837-92_1837-89del on transcript NM_182914.3 (MANE Select); 92 bases into the intron before coding-DNA position 1837 through 89 bases into the intron before coding-DNA position 1837, 4 bases deleted (GAAA; older notation c.1837-92_1837-89delGAAA).
Molecular consequence: intron variant.
Genome position (GRCh38, 1-based): chr14:63,982,538-63,982,541, GAAA deleted; deleting any 4 consecutive bases within chr14:63,982,535-63,982,541 gives the same sequence; the c. name uses the placement nearest the transcript's 3' end. VCF-style (leftmost placement, unchanged base first): chr14-63982534-AAAAG-A. GRCh37 (hg19) VCF-style: chr14-64449252-AAAAG-A.
Other names: c.1837-92_1837-89del (NM_015180.6).
Identifiers: ClinVar variation 1707124 (VCV001707124.2), dbSNP rs1289179603, ClinGen allele CA614416756.

ClinVar aggregate classification (germline): Likely benign (1 of 4 stars; one submission).

Submission:

GeneDx
Classification: Likely benign. Last evaluated: 2019-10-05. Review status: criteria provided, single submitter. Criteria: GeneDx Variant Classification Process June 2021. Collection method: clinical testing. Allele origin: germline. Affected: yes.
Comment: See Variant Classification Assertion Criteria.